The following is an entry in ClinVar:

NM_015354.3(NUP188):c.4596A>C (p.Ser1532=)

Gene: NUP188 (nucleoporin 188; plus strand). Cytogenetic location: 9q34.11.
Variant type: single nucleotide variant.
Coding change: c.4596A>C on transcript NM_015354.3 (MANE Select); coding-DNA position 4596, A replaced by C.
Protein change: p.Ser1532=; no amino-acid change (serine 1532 retained).
Molecular consequence: synonymous variant.
Genome position (GRCh38, 1-based): chr9:129,005,389, A>C. VCF-style: chr9-129005389-A-C. GRCh37 (hg19) VCF-style: chr9-131767668-A-C.
Identifiers: ClinVar variation 403266 (VCV000403266.9), dbSNP rs2287363, ClinGen allele CA5273404.

ClinVar aggregate classification (germline): Benign. Review status: criteria provided, multiple submitters, no conflicts (2 of 4 stars). 4 submissions from 4 submitters: Benign (3). 1 of the submissions does not count toward it. Last evaluated 2021-09-05.

Conditions:
NUP188-related disorder. Also called: NUP188-related condition.
Sandestig-stefanova syndrome. Identifiers: MedGen C5394118, MONDO:0032926, OMIM 618804.

Allele frequency attached by ClinVar (database versions not stated): ESP Exome Variant Server 0.42534; ExAC 0.43128; gnomAD 0.43912 and 0.44044; TOPMed 0.44231; 1000 Genomes Project 30x 0.45159; 1000 Genomes Project 0.45168.

Submissions (4):

Genome-Nilou Lab
Classification: Benign for Sandestig-stefanova syndrome. Last evaluated: 2021-09-05. Review status: criteria provided, single submitter. Criteria: ACMG Guidelines, 2015. Collection method: clinical testing. Allele origin: germline. Affected: no.

Laboratory for Molecular Medicine, Mass General Brigham Personalized Medicine
Classification: Benign. Last evaluated: 2016-03-29. Review status: criteria provided, single submitter. Criteria: LMM Criteria. Collection method: clinical testing. Allele origin: germline.
Comment: Variant identified in a genome or exome case(s) and assessed due to predicted null impact of the variant or pathogenic assertions in the literature or databases. Disclaimer: This variant has not undergone full assessment. The following are preliminary notes: Frequency

Breakthrough Genomics
Classification: Benign. Review status: criteria provided, single submitter. Criteria: ACMG Guidelines, 2015. Collection method: not provided. Allele origin: germline. Inheritance: Autosomal recessive inheritance. Affected: yes.

PreventionGenetics, part of Exact Sciences
Classification: Benign for NUP188-related condition. Last evaluated: 2019-10-17. Review status: no assertion criteria provided. Collection method: clinical testing. Allele origin: germline. Not counted in ClinVar's aggregate classification.
Comment: This variant is classified as benign based on ACMG/AMP sequence variant interpretation guidelines (Richards et al. 2015 PMID: 25741868, with internal and published modifications).